The following is an entry in ClinVar:

NM_001365951.3(KIF1B):c.817A>C (p.Lys273Gln)

Gene: KIF1B (kinesin family member 1B; plus strand). Cytogenetic location: 1p36.22.
Variant type: single nucleotide variant.
Coding change: c.817A>C on transcript NM_001365951.3 (MANE Select); coding-DNA position 817, A replaced by C.
Protein change: p.Lys273Gln; replaces lysine 273 with glutamine.
Molecular consequence: missense variant.
Genome position (GRCh38, 1-based): chr1:10,272,259, A>C. VCF-style: chr1-10272259-A-C. GRCh37 (hg19) VCF-style: chr1-10332317-A-C.
Other names: c.817A>C, p.Lys273Gln (NM_183416.4, NM_001365952.1, NM_001365953.1 and 1 more transcripts); short protein forms K273Q.
Identifiers: ClinVar variation 4722637 (VCV004722637.1).
Genomic context (GRCh38, chr1:10,272,259, plus strand): 5'-AGAAATTCTTCATCATTCTTTCATATTTGGTATTTATTTTAGGAAGGAGCAAATATTAAT[A>C]AGTCTCTTACAACTTTGGGCAAAGTCATTTCAGCCTTGGCCGAGGTGGTAAGTTTTATAC-3'
Protein context (NP_001352880.1, residues 263-283): TRLKEGANIN[Lys273Gln]SLTTLGKVIS

ClinVar aggregate classification (germline): Uncertain significance (1 of 4 stars; one submission).

Conditions:
Charcot-Marie-Tooth disease type 2. Also called: Charcot-Marie-Tooth type 2. Identifiers: Orphanet 64746, MedGen C0270914, MONDO:0018993.

Submission:

Labcorp Genetics (formerly Invitae), Labcorp
Classification: Uncertain significance for Charcot-Marie-Tooth disease type 2. Last evaluated: 2025-05-07. Review status: criteria provided, single submitter. Criteria: Invitae Variant Classification Sherloc (09022015). Collection method: clinical testing. Allele origin: germline.
Comment: This sequence change replaces lysine, which is basic and polar, with glutamine, which is neutral and polar, at codon 273 of the KIF1B protein (p.Lys273Gln). This variant is not present in population databases (gnomAD no frequency). This variant has not been reported in the literature in individuals affected with KIF1B-related conditions. Invitae Evidence Modeling of protein sequence and biophysical properties (such as structural, functional, and spatial information, amino acid conservation, physicochemical variation, residue mobility, and thermodynamic stability) indicates that this missense variant is not expected to disrupt KIF1B protein function with a negative predictive value of 80%. In summary, the available evidence is currently insufficient to determine the role of this variant in disease. Therefore, it has been classified as a Variant of Uncertain Significance.